The following is an entry in ClinVar:

ClinVar aggregate classification (germline): Uncertain significance (1 of 4 stars; one submission).

Submission:

Labcorp Genetics (formerly Invitae), Labcorp
Classification: Uncertain significance. Last evaluated: 2022-09-19. Review status: criteria provided, single submitter. Criteria: Invitae Variant Classification Sherloc (09022015). Collection method: clinical testing. Allele origin: germline.
Comment: Algorithms developed to predict the effect of missense changes on protein structure and function are either unavailable or do not agree on the potential impact of this missense change (SIFT: "Tolerated"; PolyPhen-2: "Probably Damaging"; Align-GVGD: "Class C0"). ClinVar contains an entry for this variant (Variation ID: 1393988). This variant has not been reported in the literature in individuals affected with ATR-related conditions. This variant is not present in population databases (gnomAD no frequency). This sequence change replaces proline, which is neutral and non-polar, with serine, which is neutral and polar, at codon 1000 of the ATR protein (p.Pro1000Ser). In summary, the available evidence is currently insufficient to determine the role of this variant in disease. Therefore, it has been classified as a Variant of Uncertain Significance.

NM_001184.4(ATR):c.2998C>T (p.Pro1000Ser)

Gene: ATR (ATR checkpoint kinase; minus strand). Cytogenetic location: 3q23.
Variant type: single nucleotide variant.
Coding change: c.2998C>T on transcript NM_001184.4 (MANE Select); coding-DNA position 2998, C replaced by T.
Protein change: p.Pro1000Ser; replaces proline 1000 with serine.
Molecular consequence: missense variant.
Genome position (GRCh38, 1-based): chr3:142,549,652, G>A on the plus strand (C>T on the coding strand, the complement: ATR is on the minus strand). VCF-style: chr3-142549652-G-A. GRCh37 (hg19) VCF-style: chr3-142268494-G-A.
Other names: c.2806C>T, p.Pro936Ser (NM_001354579.2); short protein forms P1000S, P936S.
Identifiers: ClinVar variation 1393988 (VCV001393988.6), dbSNP rs2108455097, ClinGen allele CA354812559.
Genomic context (GRCh38, chr3:142,549,652, plus strand): 5'-GTTTTCCTAAAGTTCGAATGAGAGCAGAAGCTGCAGGGCTTGCTTTGGCAGCAAGATCAG[G>A]TAGTAGAACTTGTAATGTCCTCTGAAAAAGAATGCAACAATTACCAAAAAGTACATTTGT-3'
Protein context (NP_001175.2, residues 990-1010): FLTRTLQVLL[Pro1000Ser]DLAAKASPAA